The following is an entry in ClinVar:

ClinVar aggregate classification (germline): Conflicting classifications of pathogenicity. Review status: criteria provided, conflicting classifications (1 of 4 stars). 8 submissions from 8 submitters: Uncertain significance (5); Likely benign (1). 2 of the submissions do not count toward it. Last evaluated 2025-11-21.

Conditions:
Cardiovascular phenotype. Identifiers: MedGen CN230736.
Retinal dystrophy. Also called: Inherited retinal dystrophy. Identifiers: Orphanet 71862, MedGen C0854723, MeSH D058499, MONDO:0019118, HP:0000556.
Alstrom syndrome (ALMS). Identifiers: Orphanet 64, MedGen C0268425, MONDO:0008763, OMIM 203800.

Allele frequency attached by ClinVar (database versions not stated): TOPMed below 0.00001.
gnomAD v4.1: 8 of 1,614,104 alleles (0.0005%); highest among the groups gnomAD compares: East Asian, 0.0022%; no homozygotes.

Submissions (8):

Labcorp Genetics (formerly Invitae), Labcorp
Classification: Uncertain significance for Alstrom syndrome. Last evaluated: 2025-11-21. Review status: criteria provided, single submitter. Criteria: Invitae Variant Classification Sherloc (09022015). Collection method: clinical testing. Allele origin: germline.
Comment: This sequence change replaces valine, which is neutral and non-polar, with leucine, which is neutral and non-polar, at codon 1742 of the ALMS1 protein (p.Val1742Leu). This variant is not present in population databases (gnomAD no frequency). This variant has not been reported in the literature in individuals affected with ALMS1-related conditions. ClinVar contains an entry for this variant (Variation ID: 432727). Experimental studies and prediction algorithms are not available or were not evaluated, and the functional significance of this variant is currently unknown. In summary, the available evidence is currently insufficient to determine the role of this variant in disease. Therefore, it has been classified as a Variant of Uncertain Significance.

Ambry Genetics
Classification: Likely benign for Cardiovascular phenotype. Last evaluated: 2024-07-03. Review status: criteria provided, single submitter. Criteria: Ambry Variant Classification Scheme 2023. Collection method: clinical testing. Allele origin: germline.

GeneDx
Classification: Uncertain significance. Last evaluated: 2023-09-15. Review status: criteria provided, single submitter. Criteria: GeneDx Variant Classification Process June 2021. Collection method: clinical testing. Allele origin: germline. Affected: yes.
Comment: Not observed at significant frequency in large population cohorts (gnomAD); In silico analysis supports that this missense variant does not alter protein structure/function; Has not been previously published as pathogenic or benign to our knowledge

Women's Health and Genetics/Laboratory Corporation of America, LabCorp
Classification: Uncertain significance. Last evaluated: 2023-07-17. Review status: criteria provided, single submitter. Criteria: LabCorp Variant Classification Summary - May 2015. Collection method: clinical testing. Allele origin: germline.

Fulgent Genetics
Classification: Uncertain significance for Alstrom syndrome. Last evaluated: 2022-03-08. Review status: criteria provided, single submitter. Criteria: ACMG Guidelines, 2015. Collection method: clinical testing. Allele origin: unknown.

Blueprint Genetics
Classification: Uncertain significance. Last evaluated: 2021-06-16. Review status: criteria provided, single submitter. Criteria: ACMG Guidelines, 2015. Collection method: clinical testing. Allele origin: germline.

Institute of Human Genetics, Univ. Regensburg, Univ. Regensburg
Classification: Uncertain significance for Retinal dystrophy. Last evaluated: 2023-01-01. Review status: no assertion criteria provided. Criteria: ACMG Guidelines, 2015. Collection method: clinical testing. Allele origin: germline. Affected: yes. Not counted in ClinVar's aggregate classification.

Natera, Inc.
Classification: Uncertain significance for Alstrom syndrome. Last evaluated: 2021-02-17. Review status: no assertion criteria provided. Collection method: clinical testing. Allele origin: germline. Not counted in ClinVar's aggregate classification.

NM_001378454.1(ALMS1):c.5221G>C (p.Val1741Leu)

Gene: ALMS1 (ALMS1 centrosome and basal body associated protein; plus strand). Cytogenetic location: 2p13.1.
Variant type: single nucleotide variant.
Coding change: c.5221G>C on transcript NM_001378454.1 (MANE Select); coding-DNA position 5221, G replaced by C.
Protein change: p.Val1741Leu; replaces valine 1741 with leucine.
Molecular consequence: missense variant.
Genome position (GRCh38, 1-based): chr2:73,451,748, G>C. VCF-style: chr2-73451748-G-C. GRCh37 (hg19) VCF-style: chr2-73678875-G-C.
Other names: c.5224G>C, p.Val1742Leu (NM_015120.4); short protein forms V1742L, V1741L.
Identifiers: ClinVar variation 432727 (VCV000432727.20), dbSNP rs962844498, ClinGen allele CA50396469.